The following is an entry in ClinVar:

NM_001844.5(COL2A1):c.262A>G (p.Ile88Val)

Gene: COL2A1 (collagen type II alpha 1 chain; minus strand). Cytogenetic location: 12q13.11.
Variant type: single nucleotide variant.
Coding change: c.262A>G on transcript NM_001844.5 (MANE Select); coding-DNA position 262, A replaced by G.
Protein change: p.Ile88Val; replaces isoleucine 88 with valine.
Molecular consequence: missense variant. On other transcripts: intron variant (1).
Genome position (GRCh38, 1-based): chr12:47,999,949, T>C on the plus strand (A>G on the coding strand, the complement: COL2A1 is on the minus strand). VCF-style: chr12-47999949-T-C. GRCh37 (hg19) VCF-style: chr12-48393732-T-C.
Other names: c.262A>G (NM_001844.4); c.86-1518A>G (NM_033150.3); short protein forms I88V.
Identifiers: ClinVar variation 1415836 (VCV001415836.12), dbSNP rs760745824, ClinGen allele CA6536065.
Genomic context (GRCh38, chr12:47,999,949, plus strand): 5'-ATGTTGAACAGGAAATAAATAAATTACAACCACTGGCAGTGGCGAGGTCAGTTGGGCAGA[T>C]GGGGCAGCACTCTCCGAAGGGGATCTCAGGGCTGAGGCAGTCTTTCACGTCTTCACAGAT-3'
Protein context (NP_001835.3, residues 78-98): PEIPFGECCP[Ile88Val]CPTDLATASG

ClinVar aggregate classification (germline): Conflicting classifications of pathogenicity. Review status: criteria provided, conflicting classifications (1 of 4 stars). 5 submissions from 5 submitters: Uncertain significance (3); Likely benign (2). Last evaluated 2025-08-26.

Conditions:
COL2A1-related disorder. Also called: COL2A1-related condition; COL2A1-related disorders.
Inborn genetic diseases. Identifiers: MedGen C0950123, MeSH D030342.

Allele frequency attached by ClinVar (database versions not stated): gnomAD exomes below 0.00001.
gnomAD v4.1: 4 of 1,614,062 alleles (0.00025%); highest among the groups gnomAD compares: Non-Finnish European, 0.00034%; no homozygotes.

Submissions (5):

PreventionGenetics, part of Exact Sciences
Classification: Uncertain significance for COL2A1-related condition. Last evaluated: 2025-08-26. Review status: criteria provided, single submitter. Criteria: ACMG Guidelines, 2015. Collection method: clinical testing. Allele origin: germline.
Comment: The COL2A1 c.262A>G variant is predicted to result in the amino acid substitution p.Ile88Val. To our knowledge, this variant has not been reported in the literature. This variant is reported in 0.0026% of alleles in individuals of European (Non-Finnish) descent in gnomAD. At this time, the clinical significance of this variant is uncertain due to the absence of conclusive functional and genetic evidence.

Ambry Genetics
Classification: Uncertain significance for Inborn genetic diseases. Last evaluated: 2025-05-06. Review status: criteria provided, single submitter. Criteria: Ambry Variant Classification Scheme 2023. Collection method: clinical testing. Allele origin: germline.

Labcorp Genetics (formerly Invitae), Labcorp
Classification: Likely benign. Last evaluated: 2025-01-29. Review status: criteria provided, single submitter. Criteria: Invitae Variant Classification Sherloc (09022015). Collection method: clinical testing. Allele origin: germline.

GeneDx
Classification: Uncertain significance. Last evaluated: 2024-08-06. Review status: criteria provided, single submitter. Criteria: GeneDx Variant Classification Process June 2021. Collection method: clinical testing. Allele origin: germline. Affected: yes.
Comment: Has not been previously published as pathogenic or benign to our knowledge; Not observed at significant frequency in large population cohorts (gnomAD); In silico analysis indicates that this missense variant does not alter protein structure/function; Not located in the triple helical region, where the majority of pathogenic missense variants occur (HGMD)

Blueprint Genetics
Classification: Likely benign. Last evaluated: 2022-09-26. Review status: criteria provided, single submitter. Criteria: ACMG Guidelines, 2015. Collection method: clinical testing. Allele origin: germline.